The following is an entry in ClinVar:

ClinVar aggregate classification (germline): Benign. Review status: criteria provided, multiple submitters, no conflicts (2 of 4 stars). 5 submissions from 4 submitters: Benign (5). Last evaluated 2024-01-24.

Conditions:
Congenital sideroblastic anemia-B-cell immunodeficiency-periodic fever-developmental delay syndrome. Also called: Sideroblastic anemia with B-cell immunodeficiency, periodic fevers, and developmental delay. Identifiers: Orphanet 369861, MedGen C4015172, MONDO:0014487, OMIM 616084.
Retinitis pigmentosa and erythrocytic microcytosis (RPEM). Identifiers: MedGen C4310776, MONDO:0014850, OMIM 616959.

Allele frequency attached by ClinVar (database versions not stated): 1000 Genomes Project 30x 0.89413; TOPMed 0.89763; ESP Exome Variant Server 0.89874; 1000 Genomes Project 0.89916; gnomAD 0.90454 and 0.91097; ExAC 0.97181; gnomAD exomes 0.97623 and 0.99072.
gnomAD v4.1: 1,558,875 of 1,586,300 alleles (98%); highest among the groups gnomAD compares: East Asian, 100%; 769,437 homozygotes.

Submissions (5):

Unidad de Genómica Garrahan, Hospital de Pediatría Garrahan
Classification: Benign. Last evaluated: 2024-01-24. Review status: criteria provided, single submitter. Criteria: ACMG Guidelines, 2015. Collection method: clinical testing. Allele origin: germline. Affected: no. Observed: 95 variant alleles.
Comment: This variant is classified as Benign based on local population frequency. This variant was detected in 100% of patients studied by a panel of primary immunodeficiencies. Number of patients: 95. Only high quality variants are reported.

Genome-Nilou Lab
Classification: Benign for Retinitis pigmentosa and erythrocytic microcytosis. Last evaluated: 2021-09-10. Review status: criteria provided, single submitter. Criteria: ACMG Guidelines, 2015. Collection method: clinical testing. Allele origin: germline. Affected: no.

Genome-Nilou Lab
Classification: Benign for Congenital sideroblastic anemia-B-cell immunodeficiency-periodic fever-developmental delay syndrome. Last evaluated: 2021-09-10. Review status: criteria provided, single submitter. Criteria: ACMG Guidelines, 2015. Collection method: clinical testing. Allele origin: germline. Affected: no.

GeneDx
Classification: Benign. Last evaluated: 2018-06-23. Review status: criteria provided, single submitter. Criteria: GeneDx Variant Classification Process June 2021. Collection method: clinical testing. Allele origin: germline. Affected: yes.

Breakthrough Genomics
Classification: Benign. Review status: criteria provided, single submitter. Criteria: ACMG Guidelines, 2015. Collection method: not provided. Allele origin: germline. Inheritance: Autosomal recessive inheritance. Affected: yes.

NM_182916.3(TRNT1):c.148+38A>G

Gene: TRNT1 (tRNA nucleotidyl transferase 1; plus strand). Cytogenetic location: 3p26.2.
Variant type: single nucleotide variant.
Coding change: c.148+38A>G on transcript NM_182916.3 (MANE Select); 38 bases into the intron after coding-DNA position 148, A replaced by G.
Molecular consequence: intron variant.
Genome position (GRCh38, 1-based): chr3:3,129,226, A>G. VCF-style: chr3-3129226-A-G. GRCh37 (hg19) VCF-style: chr3-3170910-A-G.
Other names: c.148+38A>G (NM_001367321.1, NM_001367323.1, NM_001367322.1 and 1 more transcripts).
Identifiers: ClinVar variation 1227102 (VCV001227102.9), dbSNP rs334772, ClinGen allele CA2228535.